The following is an entry in ClinVar:

NM_014795.4(ZEB2):c.2672C>G (p.Ala891Gly)

Gene: ZEB2 (zinc finger E-box binding homeobox 2; minus strand). Cytogenetic location: 2q22.3.
Variant type: single nucleotide variant.
Coding change: c.2672C>G on transcript NM_014795.4 (MANE Select); coding-DNA position 2672, C replaced by G.
Protein change: p.Ala891Gly; replaces alanine 891 with glycine.
Molecular consequence: missense variant.
Genome position (GRCh38, 1-based): chr2:144,398,515, G>C on the plus strand (C>G on the coding strand, the complement: ZEB2 is on the minus strand). VCF-style: chr2-144398515-G-C. GRCh37 (hg19) VCF-style: chr2-145156082-G-C.
Other names: c.2600C>G, p.Ala867Gly (NM_001171653.2); short protein forms A867G, A891G.
Identifiers: ClinVar variation 2420150 (VCV002420150.6), dbSNP rs1057147593, ClinGen allele CA348707472.
Genomic context (GRCh38, chr2:144,398,515, plus strand): 5'-GGCATGAAAGTAGCAGGGGGAAATGCGCTTTGAGGTGGAAGAGCTGTGTATAAAGGTTTG[G>C]CACTAAATGGGTTCATGCTGAACACTGGGTTAGTGCTTTTGTTGTCCAGATTATTTGAAT-3'
Protein context (NP_055610.1, residues 881-901): NPVFSMNPFS[Ala891Gly]KPLYTALPPQ

ClinVar aggregate classification (germline): Uncertain significance (1 of 4 stars; one submission).

Conditions:
Mowat-Wilson syndrome (MOWS). Also called: Classic Mowat-Wilson Syndrome. Identifiers: Orphanet 2152, MedGen C1856113, MONDO:0009341, OMIM 235730.

gnomAD v4.1: 1 of 1,614,066 alleles (0.000062%); highest among the groups gnomAD compares: Admixed American, 0.0017%; no homozygotes.

Submission:

Labcorp Genetics (formerly Invitae), Labcorp
Classification: Uncertain significance for Mowat-Wilson syndrome. Last evaluated: 2025-04-11. Review status: criteria provided, single submitter. Criteria: Invitae Variant Classification Sherloc (09022015). Collection method: clinical testing. Allele origin: germline.
Comment: This sequence change replaces alanine, which is neutral and non-polar, with glycine, which is neutral and non-polar, at codon 891 of the ZEB2 protein (p.Ala891Gly). This variant is not present in population databases (gnomAD no frequency). This variant has not been reported in the literature in individuals affected with ZEB2-related conditions. ClinVar contains an entry for this variant (Variation ID: 2420150). Invitae Evidence Modeling of protein sequence and biophysical properties (such as structural, functional, and spatial information, amino acid conservation, physicochemical variation, residue mobility, and thermodynamic stability) indicates that this missense variant is not expected to disrupt ZEB2 protein function with a negative predictive value of 80%. In summary, the available evidence is currently insufficient to determine the role of this variant in disease. Therefore, it has been classified as a Variant of Uncertain Significance.